The following is an entry in ClinVar:

ClinVar aggregate classification (germline): Benign. Review status: criteria provided, multiple submitters, no conflicts (2 of 4 stars). 6 submissions from 5 submitters: Benign (6). Last evaluated 2021-07-30.

Conditions:
Ullrich congenital muscular dystrophy 1A. Also called: Ullrich congenital muscular dystrophy 1; Intermediate COL6-RD. Identifiers: Orphanet 75840, MedGen C0410179, MONDO:0009681, OMIM 254090.
Bethlem myopathy 1A. Also called: Bethlem myopathy 1; Bethlem Muscular Dystrophy; MYOPATHY, BENIGN CONGENITAL, WITH CONTRACTURES. Identifiers: Orphanet 610, MedGen CN029274, MONDO:0024530, OMIM 158810.

Allele frequency attached by ClinVar (database versions not stated): gnomAD 0.34325 and 0.35129; ESP Exome Variant Server 0.35836; 1000 Genomes Project 30x 0.29247; ExAC 0.34121; TOPMed 0.35185; 1000 Genomes Project 0.28714; gnomAD exomes 0.28750.
gnomAD v4.1: 487,475 of 1,569,028 alleles (31%); highest among the groups gnomAD compares: African/African-American, 47%; 77,947 homozygotes.

Submissions (6):

Genome-Nilou Lab
Classification: Benign for Bethlem myopathy 1A. Last evaluated: 2021-07-30. Review status: criteria provided, single submitter. Criteria: ACMG Guidelines, 2015. Collection method: clinical testing. Allele origin: germline. Affected: no.

Genome-Nilou Lab
Classification: Benign for Ullrich congenital muscular dystrophy 1A. Last evaluated: 2021-07-30. Review status: criteria provided, single submitter. Criteria: ACMG Guidelines, 2015. Collection method: clinical testing. Allele origin: germline. Affected: no.

GeneDx
Classification: Benign. Last evaluated: 2018-06-14. Review status: criteria provided, single submitter. Criteria: GeneDx Variant Classification (06012015). Collection method: clinical testing. Allele origin: germline. Affected: yes.
Comment: This variant is considered likely benign or benign based on one or more of the following criteria: it is a conservative change, it occurs at a poorly conserved position in the protein, it is predicted to be benign by multiple in silico algorithms, and/or has population frequency not consistent with disease.

Eurofins Ntd Llc (ga)
Classification: Benign. Last evaluated: 2012-08-24. Review status: criteria provided, single submitter. Criteria: EGL Classification Definitions 2015. Collection method: clinical testing. Allele origin: germline. Observed: 29 variant alleles, 24 heterozygotes, 5 homozygotes.

Breakthrough Genomics
Classification: Benign. Review status: criteria provided, single submitter. Criteria: ACMG Guidelines, 2015. Collection method: not provided. Allele origin: germline. Inheritance: Autosomal recessive inheritance. Affected: yes.

PreventionGenetics, part of Exact Sciences
Classification: Benign. Review status: criteria provided, single submitter. Criteria: ACMG Guidelines, 2015. Collection method: clinical testing. Allele origin: germline.

NM_001848.3(COL6A1):c.1462-36A>G

Gene: COL6A1 (collagen type VI alpha 1 chain; plus strand). Cytogenetic location: 21q22.3.
Variant type: single nucleotide variant.
Coding change: c.1462-36A>G on transcript NM_001848.3 (MANE Select); 36 bases into the intron before coding-DNA position 1462, A replaced by G.
Molecular consequence: intron variant.
Genome position (GRCh38, 1-based): chr21:45,997,664, A>G. VCF-style: chr21-45997664-A-G. GRCh37 (hg19) VCF-style: chr21-47417578-A-G.
Identifiers: ClinVar variation 93817 (VCV000093817.9), dbSNP rs2276255, ClinGen allele CA147329.